The following is an entry in ClinVar:

ClinVar aggregate classification (germline): Uncertain significance (1 of 4 stars; one submission).

Submission:

Labcorp Genetics (formerly Invitae), Labcorp
Classification: Uncertain significance. Last evaluated: 2022-09-19. Review status: criteria provided, single submitter. Criteria: Invitae Variant Classification Sherloc (09022015). Collection method: clinical testing. Allele origin: germline.
Comment: This variant, c.4601_4603del, results in the deletion of 1 amino acid(s) of the UBR1 protein (p.Glu1534del), but otherwise preserves the integrity of the reading frame. This variant is present in population databases (rs753040283, gnomAD 0.004%). This variant has not been reported in the literature in individuals affected with UBR1-related conditions. ClinVar contains an entry for this variant (Variation ID: 1448356). Experimental studies and prediction algorithms are not available or were not evaluated, and the functional significance of this variant is currently unknown. In summary, the available evidence is currently insufficient to determine the role of this variant in disease. Therefore, it has been classified as a Variant of Uncertain Significance.

NM_174916.3(UBR1):c.4601_4603del (p.Glu1534del)

Gene: UBR1 (ubiquitin protein ligase E3 component n-recognin 1; minus strand). Cytogenetic location: 15q15.2.
Variant type: Deletion.
Coding change: c.4601_4603del on transcript NM_174916.3 (MANE Select); coding-DNA positions 4601 to 4603, 3 bases deleted (AAG; older notation c.4601_4603delAAG).
Protein change: p.Glu1534del; deletes glutamic acid 1534.
Molecular consequence: inframe deletion.
Genome position (GRCh38, 1-based): chr15:42,964,032-42,964,034, CTT deleted on the plus strand (AAG on the coding strand, the reverse complement: UBR1 is on the minus strand); deleting any 3 consecutive bases within chr15:42,964,032-42,964,036 gives the same sequence; the c. name uses the placement nearest the transcript's 3' end. VCF-style (leftmost placement, unchanged base first): chr15-42964031-CCTT-C. GRCh37 (hg19) VCF-style: chr15-43256229-CCTT-C.
Other names: short protein forms E1534del.
Identifiers: ClinVar variation 1448356 (VCV001448356.3), dbSNP rs753040283, ClinGen allele CA7517827.